The following is an entry in ClinVar:

NM_182961.4(SYNE1):c.8004+238C>T

Gene: SYNE1 (spectrin repeat containing nuclear envelope protein 1; minus strand). Cytogenetic location: 6q25.2.
Variant type: single nucleotide variant.
Coding change: c.8004+238C>T on transcript NM_182961.4 (MANE Select); 238 bases into the intron after coding-DNA position 8004, C replaced by T.
Molecular consequence: intron variant.
Genome position (GRCh38, 1-based): chr6:152,391,039, G>A on the plus strand (C>T on the coding strand, the complement: SYNE1 is on the minus strand). VCF-style: chr6-152391039-G-A. GRCh37 (hg19) VCF-style: chr6-152712174-G-A.
Other names: c.8025+238C>T (NM_033071.5).
Identifiers: ClinVar variation 673148 (VCV000673148.1), dbSNP rs75053394, ClinGen allele CA150190826.
Genomic context (GRCh38, chr6:152,391,039, plus strand): 5'-TTTATCTCTATATTCCCAGCAACTTGCAGAGTGCTTGGAGCAGAGTAGATATTCAGTAAC[G>A]CTTGCTGAATATTTACTAAATCAAATTTAAAATTATTTAAAGCTATTAAAATAACATTTT-3'

ClinVar aggregate classification (germline): Benign (1 of 4 stars; one submission).

Allele frequency attached by ClinVar (database versions not stated): gnomAD 0.02365 and 0.02516; 1000 Genomes Project 0.02416; 1000 Genomes Project 30x 0.02655; TOPMed 0.02735.
gnomAD v4.1: 3,557 of 152,224 alleles (2.3%); highest among the groups gnomAD compares: African/African-American, 8%; 142 homozygotes.

Submission:

GeneDx
Classification: Benign. Last evaluated: 2018-06-14. Review status: criteria provided, single submitter. Criteria: GeneDx Variant Classification (06012015). Collection method: clinical testing. Allele origin: germline. Affected: yes.
Comment: This variant is considered likely benign or benign based on one or more of the following criteria: it is a conservative change, it occurs at a poorly conserved position in the protein, it is predicted to be benign by multiple in silico algorithms, and/or has population frequency not consistent with disease.